The following is an entry in ClinVar:

NM_001142864.4(PIEZO1):c.2652C>T (p.Ser884=)

Genes: HSALR1 (HSP90AB1 associated lncRNA 1; plus strand), PIEZO1 (piezo type mechanosensitive ion channel component 1 (Er blood group); minus strand). Cytogenetic location: 16q24.3.
Variant type: single nucleotide variant.
Coding change: c.2652C>T on transcript NM_001142864.4 (MANE Select); coding-DNA position 2652, C replaced by T.
Protein change: p.Ser884=; no amino-acid change (serine 884 retained).
Molecular consequence: synonymous variant.
Genome position (GRCh38, 1-based): chr16:88,733,290, G>A on the plus strand (C>T on the coding strand, the complement: PIEZO1 is on the minus strand). VCF-style: chr16-88733290-G-A. GRCh37 (hg19) VCF-style: chr16-88799698-G-A.
Other names: c.2652C>T (NM_001142864.3); c.1194C>T, p.Ser398= (NM_014745.1).
Identifiers: ClinVar variation 2961220 (VCV002961220.5), dbSNP rs1229422527, ClinGen allele CA497082923.

ClinVar aggregate classification (germline): Benign. Review status: criteria provided, single submitter (1 of 4 stars). 2 submissions from 2 submitters: Benign (1). 1 of the submissions does not count toward it. Last evaluated 2023-09-06.

Conditions:
PIEZO1-related disorder. Also called: PIEZO1-related condition; PIEZO1-Related Disorders.

Allele frequency attached by ClinVar (database versions not stated): gnomAD 0.00001; TOPMed 0.00002.
gnomAD v4.1: 2 of 1,542,178 alleles (0.00013%); highest among the groups gnomAD compares: East Asian, 0.0025%; no homozygotes.

Submissions (2):

Labcorp Genetics (formerly Invitae), Labcorp
Classification: Benign. Last evaluated: 2023-09-06. Review status: criteria provided, single submitter. Criteria: Invitae Variant Classification Sherloc (09022015). Collection method: clinical testing. Allele origin: germline.

PreventionGenetics, part of Exact Sciences
Classification: Likely benign for PIEZO1-related condition. Last evaluated: 2019-06-17. Review status: no assertion criteria provided. Collection method: clinical testing. Allele origin: germline. Not counted in ClinVar's aggregate classification.
Comment: This variant is classified as likely benign based on ACMG/AMP sequence variant interpretation guidelines (Richards et al. 2015 PMID: 25741868, with internal and published modifications).